The following is an entry in ClinVar:

NM_016252.4(BIRC6):c.4485A>G (p.Arg1495=)

Gene: BIRC6 (baculoviral IAP repeat containing 6; plus strand). Cytogenetic location: 2p22.3.
Variant type: single nucleotide variant.
Coding change: c.4485A>G on transcript NM_016252.4 (MANE Select); coding-DNA position 4485, A replaced by G.
Protein change: p.Arg1495=; no amino-acid change (arginine 1495 retained).
Molecular consequence: synonymous variant.
Genome position (GRCh38, 1-based): chr2:32,448,795, A>G. VCF-style: chr2-32448795-A-G. GRCh37 (hg19) VCF-style: chr2-32673863-A-G.
Other names: c.4443A>G, p.Arg1481= (NM_001378125.1).
Identifiers: ClinVar variation 3991556 (VCV003991556.3).

ClinVar aggregate classification (germline): Conflicting classifications of pathogenicity. Review status: criteria provided, conflicting classifications (1 of 4 stars). 2 submissions from 2 submitters: Uncertain significance (1); Likely benign (1). Last evaluated 2025-03-30.

gnomAD v4.1: 2 of 1,592,166 alleles (0.00013%); highest among the groups gnomAD compares: Non-Finnish European, 0.00017%; no homozygotes.

Submissions (2):

Ambry Genetics
Classification: Likely benign. Last evaluated: 2025-03-30. Review status: criteria provided, single submitter. Criteria: Ambry Variant Classification Scheme 2023. Collection method: clinical testing. Allele origin: germline.

Dasa
Classification: Uncertain significance. Last evaluated: 2024-11-04. Review status: criteria provided, single submitter. Criteria: DASA Assertion Criteria. Collection method: clinical testing. Allele origin: germline.
Comment: NM_016252.4(BIRC6):c.4485A>G (p.Arg1495=) is a synonymous variant predicted not to alter the encoded amino acid sequence. This variant is rare in population databases. Computational prediction algorithms are consistent with a benign effect. The currently available literature and clinical evidence are not sufficient to establish a definitive association between this variant and the reported condition. Therefore, this variant is classified as a variant of uncertain significance.